The following is an entry in ClinVar:

ClinVar aggregate classification (germline): Uncertain significance (1 of 4 stars; one submission).

gnomAD v4.1: 3 of 1,614,092 alleles (0.00019%); highest among the groups gnomAD compares: East Asian, 0.0045%; no homozygotes.

Submission:

Dasa
Classification: Uncertain significance. Last evaluated: 2025-01-04. Review status: criteria provided, single submitter. Criteria: DASA Assertion Criteria. Collection method: clinical testing. Allele origin: germline.
Comment: NM_001039396.2(MPEG1):c.1801C>T (p.Leu601Phe) is a missense variant that results in the substitution of leucine with phenylalanine. This variant is rare in population databases. Computational prediction algorithms are consistent with a benign effect. The currently available literature and clinical evidence are not sufficient to establish a definitive association between this variant and the reported condition. Therefore, this variant is classified as a variant of uncertain significance.

NM_001039396.2(MPEG1):c.1801C>T (p.Leu601Phe)

Gene: MPEG1 (macrophage expressed 1; minus strand). Cytogenetic location: 11q12.1.
Variant type: single nucleotide variant.
Coding change: c.1801C>T on transcript NM_001039396.2 (MANE Select); coding-DNA position 1801, C replaced by T.
Protein change: p.Leu601Phe; replaces leucine 601 with phenylalanine.
Molecular consequence: missense variant.
Genome position (GRCh38, 1-based): chr11:59,211,065, G>A on the plus strand (C>T on the coding strand, the complement: MPEG1 is on the minus strand). VCF-style: chr11-59211065-G-A. GRCh37 (hg19) VCF-style: chr11-58978538-G-A.
Other names: short protein forms L601F.
Identifiers: ClinVar variation 4882585 (VCV004882585.2).